The following is an entry in ClinVar:

ClinVar aggregate classification (germline): Benign/Likely benign. Review status: criteria provided, multiple submitters, no conflicts (2 of 4 stars). 3 submissions from 3 submitters: Benign (1); Likely benign (1). 1 of the submissions does not count toward it. Last evaluated 2025-06-05.

Conditions:
ACTN1-related disorder. Also called: ACTN1-related condition.

Allele frequency attached by ClinVar (database versions not stated): TOPMed 0.00001; gnomAD 0.00017; gnomAD exomes 0.00024; ExAC 0.00064; 1000 Genomes Project 30x 0.00094; 1000 Genomes Project 0.00100.
gnomAD v4.1: 383 of 1,614,126 alleles (0.024%); highest among the groups gnomAD compares: South Asian, 0.4%; 5 homozygotes.

Submissions (3):

Labcorp Genetics (formerly Invitae), Labcorp
Classification: Benign. Last evaluated: 2025-06-05. Review status: criteria provided, single submitter. Criteria: Invitae Variant Classification Sherloc (09022015). Collection method: clinical testing. Allele origin: germline.

Blueprint Genetics
Classification: Likely benign. Last evaluated: 2024-10-08. Review status: criteria provided, single submitter. Criteria: ACMG Guidelines, 2015. Collection method: clinical testing. Allele origin: germline.

PreventionGenetics, part of Exact Sciences
Classification: Benign for ACTN1-related condition. Last evaluated: 2019-11-16. Review status: no assertion criteria provided. Collection method: clinical testing. Allele origin: germline. Not counted in ClinVar's aggregate classification.
Comment: This variant is classified as benign based on ACMG/AMP sequence variant interpretation guidelines (Richards et al. 2015 PMID: 25741868, with internal and published modifications).

NM_001130004.2(ACTN1):c.843G>A (p.Lys281=)

Gene: ACTN1 (actinin alpha 1; minus strand). Cytogenetic location: 14q24.1.
Variant type: single nucleotide variant.
Coding change: c.843G>A on transcript NM_001130004.2 (MANE Select); coding-DNA position 843, G replaced by A.
Protein change: p.Lys281=; no amino-acid change (lysine 281 retained).
Molecular consequence: synonymous variant.
Genome position (GRCh38, 1-based): chr14:68,893,667, C>T on the plus strand (G>A on the coding strand, the complement: ACTN1 is on the minus strand). VCF-style: chr14-68893667-C-T. GRCh37 (hg19) VCF-style: chr14-69360384-C-T.
Other names: c.843G>A, p.Lys281= (NM_001102.4, NM_001130005.2, NM_001411035.1); c.648G>A, p.Lys216= (NM_001411036.1).
Identifiers: ClinVar variation 2052337 (VCV002052337.7), dbSNP rs202041611, ClinGen allele CA7242552.